The following is an entry in ClinVar:

NM_000077.5(CDKN2A):c.151-4del

Gene: CDKN2A (cyclin dependent kinase inhibitor 2A; minus strand). Cytogenetic location: 9p21.3.
Variant type: Deletion.
Coding change: c.151-4del on transcript NM_000077.5 (MANE Select); 4 bases into the intron before coding-DNA position 151, one base deleted (G; older notation c.151-4delG).
Molecular consequence: intron variant.
Genome position (GRCh38, 1-based): chr9:21,971,212, C deleted on the plus strand (G on the coding strand, the reverse complement: CDKN2A is on the minus strand); the first of 2 consecutive C bases (chr9:21,971,212-21,971,213); deleting either gives the same sequence. VCF-style (leftmost placement, unchanged base first): chr9-21971211-GC-G. GRCh37 (hg19) VCF-style: chr9-21971210-GC-G.
Other names: c.-3-4del (NM_001363763.2); c.194-4del (NM_058195.4); c.151-4del (NM_001195132.2); c.*74-4del (NM_058197.5).
Identifiers: ClinVar variation 2625890 (VCV002625890.2), dbSNP rs2489277395, ClinGen allele CA2582341985.
Genomic context (GRCh38, chr9:21,971,211, plus strand): 5'-GCTCCGCGCCGTGGAGCAGCAGCAGCTCCGCCACTCGGGCGCTGCCCATCATCATGACCT[GC>G]CAGAGAGAACAGAATGGTCAGAGCCAGGGTGGGGGCCGGCATGACGGAAAGGAAGCTTGT-3'

ClinVar aggregate classification (germline): Uncertain significance (1 of 4 stars; one submission).

Conditions:
Hereditary cancer-predisposing syndrome. Also called: Hereditary Cancer Syndrome; Hereditary neoplastic syndrome; Neoplastic Syndromes, Hereditary; Tumor predisposition. Identifiers: Orphanet 140162, MedGen C0027672, MeSH D009386, MONDO:0015356.

Submission:

Ambry Genetics
Classification: Uncertain significance for Hereditary cancer-predisposing syndrome. Last evaluated: 2023-07-06. Review status: criteria provided, single submitter. Criteria: Ambry Variant Classification Scheme 2023. Collection method: clinical testing. Allele origin: germline.
Comment: The c.151-4delG intronic variant is located 4 nucleotide(s) before coding exon 2 of the CDKN2A gene. This variant results from a deletion of one nucleotide at position c.151-4. This nucleotide position is not well conserved in available vertebrate species. In silico splice site analysis predicts that this alteration will not have any significant effect on splicing. Since supporting evidence is limited at this time, the clinical significance of this alteration remains unclear.